The following is an entry in ClinVar:

NM_001257096.2(PAX1):c.829G>A (p.Ala277Thr)

Gene: PAX1 (paired box 1; plus strand). Cytogenetic location: 20p11.22.
Variant type: single nucleotide variant.
Coding change: c.829G>A on transcript NM_001257096.2 (MANE Select); coding-DNA position 829, G replaced by A.
Protein change: p.Ala277Thr; replaces alanine 277 with threonine.
Molecular consequence: missense variant.
Genome position (GRCh38, 1-based): chr20:21,706,980, G>A. VCF-style: chr20-21706980-G-A. GRCh37 (hg19) VCF-style: chr20-21687618-G-A.
Other names: c.829G>A, p.Ala277Thr (NM_006192.5); short protein forms A277T.
Identifiers: ClinVar variation 1957484 (VCV001957484.5), dbSNP rs376309924, ClinGen allele CA9786572.

ClinVar aggregate classification (germline): Uncertain significance (1 of 4 stars; one submission).

Allele frequency attached by ClinVar (database versions not stated): ExAC 0.00001; gnomAD 0.00001; TOPMed 0.00004; ESP Exome Variant Server 0.00015.
gnomAD v4.1: 6 of 1,612,684 alleles (0.00037%); highest among the groups gnomAD compares: African/African-American, 0.0053%; no homozygotes.

Submission:

Labcorp Genetics (formerly Invitae), Labcorp
Classification: Uncertain significance. Last evaluated: 2026-01-19. Review status: criteria provided, single submitter. Criteria: Invitae Variant Classification Sherloc (09022015). Collection method: clinical testing. Allele origin: germline.
Comment: This sequence change replaces alanine, which is neutral and non-polar, with threonine, which is neutral and polar, at codon 277 of the PAX1 protein (p.Ala277Thr). This variant is present in population databases (rs376309924, gnomAD 0.01%). This variant has not been reported in the literature in individuals affected with PAX1-related conditions. ClinVar contains an entry for this variant (Variation ID: 1957484). Invitae Evidence Modeling of protein sequence and biophysical properties (such as structural, functional, and spatial information, amino acid conservation, physicochemical variation, residue mobility, and thermodynamic stability) indicates that this missense variant is not expected to disrupt PAX1 protein function with a negative predictive value of 80%. In summary, the available evidence is currently insufficient to determine the role of this variant in disease. Therefore, it has been classified as a Variant of Uncertain Significance.